The following is an entry in ClinVar:

ClinVar aggregate classification (germline): Uncertain significance. Review status: criteria provided, multiple submitters, no conflicts (2 of 4 stars). 2 submissions from 2 submitters: Uncertain significance (2). Last evaluated 2025-06-02.

Conditions:
Inborn genetic diseases. Identifiers: MedGen C0950123, MeSH D030342.

gnomAD v4.1: 14 of 1,613,638 alleles (0.00087%); highest among the groups gnomAD compares: African/African-American, 0.016%; no homozygotes.

Submissions (2):

GeneDx
Classification: Uncertain significance. Last evaluated: 2025-06-02. Review status: criteria provided, single submitter. Criteria: GeneDx Variant Classification Process June 2021. Collection method: clinical testing. Allele origin: germline. Affected: yes.
Comment: In silico analysis supports that this missense variant has a deleterious effect on protein structure/function; Has not been previously published as pathogenic or benign to our knowledge

Ambry Genetics
Classification: Uncertain significance for Inborn genetic diseases. Last evaluated: 2024-04-23. Review status: criteria provided, single submitter. Criteria: Ambry Variant Classification Scheme 2023. Collection method: clinical testing. Allele origin: germline.

NM_001110219.3(GJB6):c.403A>G (p.Thr135Ala)

Gene: GJB6 (gap junction protein beta 6; minus strand). Cytogenetic location: 13q12.11.
Variant type: single nucleotide variant.
Coding change: c.403A>G on transcript NM_001110219.3 (MANE Select); coding-DNA position 403, A replaced by G.
Protein change: p.Thr135Ala; replaces threonine 135 with alanine.
Molecular consequence: missense variant.
Genome position (GRCh38, 1-based): chr13:20,223,078, T>C on the plus strand (A>G on the coding strand, the complement: GJB6 is on the minus strand). VCF-style: chr13-20223078-T-C. GRCh37 (hg19) VCF-style: chr13-20797217-T-C.
Other names: c.403A>G, p.Thr135Ala (NM_001110220.3, NM_001110221.3, NM_001370090.1 and 3 more transcripts); short protein forms T135A.
Identifiers: ClinVar variation 3281465 (VCV003281465.2).